The following is an entry in ClinVar:

NM_002408.4(MGAT2):c.711G>C (p.Lys237Asn)

Gene: MGAT2 (alpha-1,6-mannosyl-glycoprotein 2-beta-N-acetylglucosaminyltransferase; plus strand). Cytogenetic location: 14q21.3.
Variant type: single nucleotide variant.
Coding change: c.711G>C on transcript NM_002408.4 (MANE Select); coding-DNA position 711, G replaced by C.
Protein change: p.Lys237Asn; replaces lysine 237 with asparagine.
Molecular consequence: missense variant.
Genome position (GRCh38, 1-based): chr14:49,621,979, G>C. VCF-style: chr14-49621979-G-C. GRCh37 (hg19) VCF-style: chr14-50088697-G-C.
Other names: short protein forms K237N.
Identifiers: ClinVar variation 30270 (VCV000030270.8), dbSNP rs730882218, ClinGen allele CA249931.
Genomic context (GRCh38, chr14:49,621,979, plus strand): 5'-CTCCTTCGGCCATTATAGAGAGGCCAAATTCTCCCAGACCAAACATCACTGGTGGTGGAA[G>C]CTGCATTTTGTGTGGGAAAGAGTGAAAATTCTTCGAGATTATGCTGGCCTTATACTTTTC-3'
Protein context (NP_002399.1, residues 227-247): FSQTKHHWWW[Lys237Asn]LHFVWERVKI

ClinVar aggregate classification (germline): Likely pathogenic. Review status: criteria provided, multiple submitters, no conflicts (2 of 4 stars). 5 submissions from 4 submitters: Likely pathogenic (3). 2 of the submissions do not count toward it. Last evaluated 2024-03-14.

Conditions:
MGAT2-related disorders.
MGAT2-congenital disorder of glycosylation. Also called: CDG IIa; Congenital disorder of glycosylation, type IIa; MENTAL RETARDATION, GROWTH RETARDATION, PROMINENT COLUMELLA, AND OPEN MOUTH; Alkuraya syndrome; MGAT2-CDG. Identifiers: Orphanet 79329, MedGen C2931008, MONDO:0008908, OMIM 212066.
Abnormal facial shape. Also called: Dysmorphic facies; Dysmorphic facial features. Identifiers: MedGen C0424503, HP:0001999.
Global developmental delay (DD). Also called: Cognitive delay. Identifiers: MedGen C0557874, HP:0001263. Disease mechanism: loss of function.
Abnormal glycosylation. Identifiers: MedGen C4022946, HP:0012345.

Submissions (5):

Genomic Medicine Center of Excellence, King Faisal Specialist Hospital and Research Centre
Classification: Likely pathogenic for Congenital disorder of glycosylation, type IIa. Last evaluated: 2024-03-14. Review status: criteria provided, single submitter. Criteria: ACMG Guidelines, 2015. Collection method: clinical testing. Allele origin: germline.

Labcorp Genetics (formerly Invitae), Labcorp
Classification: Likely pathogenic for MGAT2-congenital disorder of glycosylation. Last evaluated: 2022-06-21. Review status: criteria provided, single submitter. Criteria: Invitae Variant Classification Sherloc (09022015). Collection method: clinical testing. Allele origin: germline.
Comment: This sequence change replaces lysine, which is basic and polar, with asparagine, which is neutral and polar, at codon 237 of the MGAT2 protein (p.Lys237Asn). This variant is not present in population databases (gnomAD no frequency). This missense change has been observed in individual(s) with congenital disorder of glycosylation type 2A (PMID: 22105986, 25558065, 28742265). It has also been observed to segregate with disease in related individuals. ClinVar contains an entry for this variant (Variation ID: 30270). Algorithms developed to predict the effect of missense changes on protein structure and function are either unavailable or do not agree on the potential impact of this missense change (SIFT: "Deleterious"; PolyPhen-2: "Probably Damaging"; Align-GVGD: "Class C0"). In summary, the currently available evidence indicates that the variant is pathogenic, but additional data are needed to prove that conclusively. Therefore, this variant has been classified as Likely Pathogenic.

Blueprint Genetics
Classification: Likely pathogenic for MGAT2-related disorders. Last evaluated: 2019-05-21. Review status: criteria provided, single submitter. Criteria: ACMG Guidelines, 2015. Collection method: clinical testing. Allele origin: germline. Affected: yes. Observed: 2 variant alleles.

Genomic Medicine Center of Excellence, King Faisal Specialist Hospital and Research Centre
Classification: Likely pathogenic for Global developmental delay; Dysmorphic facies; Abnormal glycosylation (CDG IIa). Last evaluated: 2014-12-01. Review status: no assertion criteria provided. Criteria: research. Collection method: research. Allele origin: germline. Affected: yes. Not counted in ClinVar's aggregate classification.

OMIM
Classification: Pathogenic for CONGENITAL DISORDER OF GLYCOSYLATION, TYPE IIa. Last evaluated: 2012-01-01. Review status: no assertion criteria provided. Collection method: literature only. Allele origin: germline. Not counted in ClinVar's aggregate classification.

Literature cited by the submitters: PubMed 22105986 (cited by Labcorp Genetics (formerly Invitae), Labcorp and OMIM); PubMed 25558065 (cited by Labcorp Genetics (formerly Invitae), Labcorp and Genomic Medicine Center of Excellence, King Faisal Specialist Hospital and Research Centre); PubMed 28742265 (cited by Labcorp Genetics (formerly Invitae), Labcorp); PubMed 20684000 (cited by OMIM).